The following continues an entry in ClinVar:

NM_003200.5(TCF3):c.302A>G (p.Lys101Arg)

Gene: TCF3. ClinVar aggregate classification (germline): Benign/Likely benign. Benign (4); Likely benign (1).

Submissions 32 to 76 of 76:

Dr. Peter K. Rogan Lab, Western University
No classification provided (evidence only). Condition: Acute myeloid leukemia. Review status: no classification provided. Collection method: in vitro. Allele origin: not applicable. Functional consequence: skipped exon, retained intron. Not counted in ClinVar's aggregate classification.

Dr. Peter K. Rogan Lab, Western University
No classification provided (evidence only). Condition: Acute myeloid leukemia. Review status: no classification provided. Collection method: in vitro. Allele origin: not applicable. Functional consequence: retained intron. Not counted in ClinVar's aggregate classification.

Dr. Peter K. Rogan Lab, Western University
No classification provided (evidence only). Condition: Colon adenocarcinoma. Review status: no classification provided. Collection method: in vitro. Allele origin: not applicable. Functional consequence: retained intron. Not counted in ClinVar's aggregate classification.

Dr. Peter K. Rogan Lab, Western University
No classification provided (evidence only). Condition: Colon adenocarcinoma. Review status: no classification provided. Collection method: in vitro. Allele origin: not applicable. Functional consequence: retained intron. Not counted in ClinVar's aggregate classification.

Dr. Peter K. Rogan Lab, Western University
No classification provided (evidence only). Condition: Colon adenocarcinoma. Review status: no classification provided. Collection method: in vitro. Allele origin: not applicable. Functional consequence: retained intron. Not counted in ClinVar's aggregate classification.

Dr. Peter K. Rogan Lab, Western University
No classification provided (evidence only). Condition: Colorectal cancer. Review status: no classification provided. Collection method: in vitro. Allele origin: not applicable. Functional consequence: retained intron. Not counted in ClinVar's aggregate classification.

Dr. Peter K. Rogan Lab, Western University
No classification provided (evidence only). Condition: Thyroid cancer, nonmedullary, 1. Review status: no classification provided. Collection method: in vitro. Allele origin: not applicable. Functional consequence: retained intron. Not counted in ClinVar's aggregate classification.

Dr. Peter K. Rogan Lab, Western University
No classification provided (evidence only). Condition: Uterine corpus endometrial carcinoma. Review status: no classification provided. Collection method: in vitro. Allele origin: not applicable. Functional consequence: retained intron. Not counted in ClinVar's aggregate classification.

Dr. Peter K. Rogan Lab, Western University
No classification provided (evidence only). Condition: Cervical cancer. Review status: no classification provided. Collection method: in vitro. Allele origin: not applicable. Functional consequence: retained intron. Not counted in ClinVar's aggregate classification.

Dr. Peter K. Rogan Lab, Western University
No classification provided (evidence only). Condition: Cervical cancer. Review status: no classification provided. Collection method: in vitro. Allele origin: not applicable. Functional consequence: retained intron. Not counted in ClinVar's aggregate classification.

Dr. Peter K. Rogan Lab, Western University
No classification provided (evidence only). Condition: Cervical cancer. Review status: no classification provided. Collection method: in vitro. Allele origin: not applicable. Functional consequence: retained intron. Not counted in ClinVar's aggregate classification.

Dr. Peter K. Rogan Lab, Western University
No classification provided (evidence only). Condition: Cervical cancer. Review status: no classification provided. Collection method: in vitro. Allele origin: not applicable. Functional consequence: retained intron. Not counted in ClinVar's aggregate classification.

Dr. Peter K. Rogan Lab, Western University
No classification provided (evidence only). Condition: Sarcoma. Review status: no classification provided. Collection method: in vitro. Allele origin: not applicable. Functional consequence: retained intron. Not counted in ClinVar's aggregate classification.

Dr. Peter K. Rogan Lab, Western University
No classification provided (evidence only). Condition: Malignant lymphoma, large B-cell, diffuse. Review status: no classification provided. Collection method: in vitro. Allele origin: not applicable. Functional consequence: retained intron. Not counted in ClinVar's aggregate classification.

Dr. Peter K. Rogan Lab, Western University
No classification provided (evidence only). Condition: Hepatocellular carcinoma. Review status: no classification provided. Collection method: in vitro. Allele origin: not applicable. Functional consequence: retained intron. Not counted in ClinVar's aggregate classification.

Dr. Peter K. Rogan Lab, Western University
No classification provided (evidence only). Condition: Hepatocellular carcinoma. Review status: no classification provided. Collection method: in vitro. Allele origin: not applicable. Functional consequence: retained intron. Not counted in ClinVar's aggregate classification.

Dr. Peter K. Rogan Lab, Western University
No classification provided (evidence only). Condition: Hepatocellular carcinoma. Review status: no classification provided. Collection method: in vitro. Allele origin: not applicable. Functional consequence: retained intron. Not counted in ClinVar's aggregate classification.

Dr. Peter K. Rogan Lab, Western University
No classification provided (evidence only). Condition: Hepatocellular carcinoma. Review status: no classification provided. Collection method: in vitro. Allele origin: not applicable. Functional consequence: retained intron. Not counted in ClinVar's aggregate classification.

Dr. Peter K. Rogan Lab, Western University
No classification provided (evidence only). Condition: Hepatocellular carcinoma. Review status: no classification provided. Collection method: in vitro. Allele origin: not applicable. Functional consequence: retained intron. Not counted in ClinVar's aggregate classification.

Dr. Peter K. Rogan Lab, Western University
No classification provided (evidence only). Condition: Nonpapillary renal cell carcinoma. Review status: no classification provided. Collection method: in vitro. Allele origin: not applicable. Functional consequence: retained intron. Not counted in ClinVar's aggregate classification.

Dr. Peter K. Rogan Lab, Western University
No classification provided (evidence only). Condition: Thymoma. Review status: no classification provided. Collection method: in vitro. Allele origin: not applicable. Functional consequence: retained intron. Not counted in ClinVar's aggregate classification.

Dr. Peter K. Rogan Lab, Western University
No classification provided (evidence only). Condition: Cholangiocarcinoma. Review status: no classification provided. Collection method: in vitro. Allele origin: not applicable. Functional consequence: retained intron. Not counted in ClinVar's aggregate classification.

Dr. Peter K. Rogan Lab, Western University
No classification provided (evidence only). Condition: Cholangiocarcinoma. Review status: no classification provided. Collection method: in vitro. Allele origin: not applicable. Functional consequence: retained intron. Not counted in ClinVar's aggregate classification.

Dr. Peter K. Rogan Lab, Western University
No classification provided (evidence only). Condition: Ovarian serous cystadenocarcinoma. Review status: no classification provided. Collection method: in vitro. Allele origin: not applicable. Functional consequence: retained intron. Not counted in ClinVar's aggregate classification.

Dr. Peter K. Rogan Lab, Western University
No classification provided (evidence only). Condition: Ovarian serous cystadenocarcinoma. Review status: no classification provided. Collection method: in vitro. Allele origin: not applicable. Functional consequence: retained intron. Not counted in ClinVar's aggregate classification.

Dr. Peter K. Rogan Lab, Western University
No classification provided (evidence only). Condition: Ovarian serous cystadenocarcinoma. Review status: no classification provided. Collection method: in vitro. Allele origin: not applicable. Functional consequence: retained intron. Not counted in ClinVar's aggregate classification.

Dr. Peter K. Rogan Lab, Western University
No classification provided (evidence only). Condition: Ovarian serous cystadenocarcinoma. Review status: no classification provided. Collection method: in vitro. Allele origin: not applicable. Functional consequence: retained intron. Not counted in ClinVar's aggregate classification.

Dr. Peter K. Rogan Lab, Western University
No classification provided (evidence only). Condition: Ovarian serous cystadenocarcinoma. Review status: no classification provided. Collection method: in vitro. Allele origin: not applicable. Functional consequence: retained intron. Not counted in ClinVar's aggregate classification.

Dr. Peter K. Rogan Lab, Western University
No classification provided (evidence only). Condition: Gastric cancer. Review status: no classification provided. Collection method: in vitro. Allele origin: not applicable. Functional consequence: retained intron. Not counted in ClinVar's aggregate classification.

Dr. Peter K. Rogan Lab, Western University
No classification provided (evidence only). Condition: Gastric cancer. Review status: no classification provided. Collection method: in vitro. Allele origin: not applicable. Functional consequence: retained intron. Not counted in ClinVar's aggregate classification.

Dr. Peter K. Rogan Lab, Western University
No classification provided (evidence only). Condition: Gastric cancer. Review status: no classification provided. Collection method: in vitro. Allele origin: not applicable. Functional consequence: retained intron. Not counted in ClinVar's aggregate classification.

Dr. Peter K. Rogan Lab, Western University
No classification provided (evidence only). Condition: Gastric cancer. Review status: no classification provided. Collection method: in vitro. Allele origin: not applicable. Functional consequence: retained intron. Not counted in ClinVar's aggregate classification.

Dr. Peter K. Rogan Lab, Western University
No classification provided (evidence only). Condition: Gastric cancer. Review status: no classification provided. Collection method: in vitro. Allele origin: not applicable. Functional consequence: retained intron. Not counted in ClinVar's aggregate classification.

Dr. Peter K. Rogan Lab, Western University
No classification provided (evidence only). Condition: Gastric cancer. Review status: no classification provided. Collection method: in vitro. Allele origin: not applicable. Functional consequence: retained intron. Not counted in ClinVar's aggregate classification.

Dr. Peter K. Rogan Lab, Western University
No classification provided (evidence only). Condition: Gastric cancer. Review status: no classification provided. Collection method: in vitro. Allele origin: not applicable. Functional consequence: retained intron. Not counted in ClinVar's aggregate classification.

Dr. Peter K. Rogan Lab, Western University
No classification provided (evidence only). Condition: Adrenocortical carcinoma, hereditary. Review status: no classification provided. Collection method: in vitro. Allele origin: not applicable. Functional consequence: retained intron. Not counted in ClinVar's aggregate classification.

Dr. Peter K. Rogan Lab, Western University
No classification provided (evidence only). Condition: Uterine carcinosarcoma. Review status: no classification provided. Collection method: in vitro. Allele origin: not applicable. Functional consequence: retained intron. Not counted in ClinVar's aggregate classification.

Dr. Peter K. Rogan Lab, Western University
No classification provided (evidence only). Condition: Uterine carcinosarcoma. Review status: no classification provided. Collection method: in vitro. Allele origin: not applicable. Functional consequence: retained intron. Not counted in ClinVar's aggregate classification.

Dr. Peter K. Rogan Lab, Western University
No classification provided (evidence only). Condition: Uterine carcinosarcoma. Review status: no classification provided. Collection method: in vitro. Allele origin: not applicable. Functional consequence: retained intron. Not counted in ClinVar's aggregate classification.

Dr. Peter K. Rogan Lab, Western University
No classification provided (evidence only). Condition: Uveal melanoma. Review status: no classification provided. Collection method: in vitro. Allele origin: not applicable. Functional consequence: retained intron. Not counted in ClinVar's aggregate classification.

Dr. Peter K. Rogan Lab, Western University
No classification provided (evidence only). Condition: Malignant tumor of esophagus. Review status: no classification provided. Collection method: in vitro. Allele origin: not applicable. Functional consequence: retained intron. Not counted in ClinVar's aggregate classification.

Dr. Peter K. Rogan Lab, Western University
No classification provided (evidence only). Condition: Malignant tumor of esophagus. Review status: no classification provided. Collection method: in vitro. Allele origin: not applicable. Functional consequence: retained intron. Not counted in ClinVar's aggregate classification.

Dr. Peter K. Rogan Lab, Western University
No classification provided (evidence only). Condition: Malignant tumor of esophagus. Review status: no classification provided. Collection method: in vitro. Allele origin: not applicable. Functional consequence: skipped exon, retained intron. Not counted in ClinVar's aggregate classification.

Dr. Peter K. Rogan Lab, Western University
No classification provided (evidence only). Condition: Malignant tumor of esophagus. Review status: no classification provided. Collection method: in vitro. Allele origin: not applicable. Functional consequence: retained intron. Not counted in ClinVar's aggregate classification.

Dr. Peter K. Rogan Lab, Western University
No classification provided (evidence only). Condition: Malignant tumor of esophagus. Review status: no classification provided. Collection method: in vitro. Allele origin: not applicable. Functional consequence: retained intron. Not counted in ClinVar's aggregate classification.